The following is an entry in ClinVar:

NM_001283009.2(RTEL1):c.1145T>A (p.Val382Glu)

Genes: RTEL1 (regulator of telomere elongation helicase 1; plus strand), RTEL1-TNFRSF6B (RTEL1-TNFRSF6B readthrough (NMD candidate); plus strand). Cytogenetic location: 20q13.33.
Variant type: single nucleotide variant.
Coding change: c.1145T>A on transcript NM_001283009.2 (MANE Select); coding-DNA position 1145, T replaced by A.
Protein change: p.Val382Glu; replaces valine 382 with glutamic acid.
Molecular consequence: missense variant. On other transcripts: non-coding transcript variant (1).
Genome position (GRCh38, 1-based): chr20:63,680,673, T>A. VCF-style: chr20-63680673-T-A. GRCh37 (hg19) VCF-style: chr20-62312026-T-A.
Other names: c.476T>A, p.Val159Glu (NM_001283010.1); c.1145T>A, p.Val382Glu (NM_016434.4); c.1217T>A, p.Val406Glu (NM_032957.5); short protein forms V382E, V406E, V159E.
Identifiers: ClinVar variation 3948485 (VCV003948485.1).

ClinVar aggregate classification (germline): Uncertain significance (1 of 4 stars; one submission).

Conditions:
Inborn genetic diseases. Identifiers: MedGen C0950123, MeSH D030342.

Submission:

Ambry Genetics
Classification: Uncertain significance for Inborn genetic diseases. Last evaluated: 2025-06-12. Review status: criteria provided, single submitter. Criteria: Ambry Variant Classification Scheme 2023. Collection method: clinical testing. Allele origin: germline.
Comment: The p.V382E variant (also known as c.1145T>A), located in coding exon 13 of the RTEL1 gene, results from a T to A substitution at nucleotide position 1145. The valine at codon 382 is replaced by glutamic acid, an amino acid with dissimilar properties. This amino acid position is conserved. In addition, the in silico prediction for this alteration is inconclusive. Based on the available evidence, the clinical significance of this variant remains unclear.